The following is an entry in ClinVar:

NM_006421.5(ARFGEF1):c.2979+8A>G

Gene: ARFGEF1 (ARF guanine nucleotide exchange factor 1; minus strand). Cytogenetic location: 8q13.2.
Variant type: single nucleotide variant.
Coding change: c.2979+8A>G on transcript NM_006421.5 (MANE Select); 8 bases into the intron after coding-DNA position 2979, A replaced by G.
Molecular consequence: intron variant.
Genome position (GRCh38, 1-based): chr8:67,240,154, T>C on the plus strand (A>G on the coding strand, the complement: ARFGEF1 is on the minus strand). VCF-style: chr8-67240154-T-C. GRCh37 (hg19) VCF-style: chr8-68152389-T-C.
Other names: c.2979+8A>G (NM_001413186.1, NM_001413187.1, NM_001413185.1 and 6 more transcripts); c.2379+8A>G (NM_001413188.1, NM_001413197.1, NM_001413193.1); c.1554+8A>G (NM_001413196.1); c.2973+8A>G (NM_001413190.1).
Identifiers: ClinVar variation 4874884 (VCV004874884.2).

ClinVar aggregate classification (germline): Uncertain significance (1 of 4 stars; one submission).

gnomAD v4.1: 2 of 1,606,460 alleles (0.00012%); highest among the groups gnomAD compares: Admixed American, 0.0017%; no homozygotes.

Submission:

CeGaT Center for Human Genetics Tuebingen
Classification: Uncertain significance. Last evaluated: 2026-05-01. Review status: criteria provided, single submitter. Criteria: CeGaT Center For Human Genetics Tuebingen Variant Classification Criteria Version 2. Collection method: clinical testing. Allele origin: germline. Affected: yes. Observed: 1 variant allele.
Comment: ARFGEF1: PM2, BP4